The following is an entry in ClinVar:

ClinVar aggregate classification (germline): Likely benign. Review status: criteria provided, multiple submitters, no conflicts (2 of 4 stars). 3 submissions from 3 submitters: Likely benign (2). 1 of the submissions does not count toward it. Last evaluated 2025-10-09.

Conditions:
SUCLG1-related disorder. Also called: SUCLG1-related condition.
Mitochondrial DNA depletion syndrome 9 (MTDPS9). Also called: SUCLG1-Related Mitochondrial DNA Depletion Syndrome, Encephalomyopathic Form with Methylmalonic Aciduria. Identifiers: Orphanet 17, MedGen C3151476, MONDO:0009504, OMIM 245400.

Submissions (3):

Labcorp Genetics (formerly Invitae), Labcorp
Classification: Likely benign for Mitochondrial DNA depletion syndrome 9. Last evaluated: 2025-10-09. Review status: criteria provided, single submitter. Criteria: Invitae Variant Classification Sherloc (09022015). Collection method: clinical testing. Allele origin: germline.

Blueprint Genetics
Classification: Likely benign. Last evaluated: 2024-07-25. Review status: criteria provided, single submitter. Criteria: ACMG Guidelines, 2015. Collection method: clinical testing. Allele origin: germline.

PreventionGenetics, part of Exact Sciences
Classification: Likely benign for SUCLG1-related condition. Last evaluated: 2024-03-13. Review status: no assertion criteria provided. Collection method: clinical testing. Allele origin: germline. Not counted in ClinVar's aggregate classification.
Comment: This variant is classified as likely benign based on ACMG/AMP sequence variant interpretation guidelines (Richards et al. 2015 PMID: 25741868, with internal and published modifications).

NM_003849.4(SUCLG1):c.532-12_532-10del

Gene: SUCLG1 (succinate-CoA ligase GDP/ADP-forming subunit alpha; minus strand). Cytogenetic location: 2p11.2.
Variant type: Deletion.
Coding change: c.532-12_532-10del on transcript NM_003849.4 (MANE Select); 12 bases into the intron before coding-DNA position 532 through 10 bases into the intron before coding-DNA position 532, 3 bases deleted (GAT; older notation c.532-12_532-10delGAT).
Molecular consequence: intron variant.
Genome position (GRCh38, 1-based): chr2:84,441,114-84,441,116, ATC deleted on the plus strand (GAT on the coding strand, the reverse complement: SUCLG1 is on the minus strand); deleting any 3 consecutive bases within chr2:84,441,114-84,441,118 gives the same sequence; the c. name uses the placement nearest the transcript's 3' end. VCF-style (leftmost placement, unchanged base first): chr2-84441113-AATC-A. GRCh37 (hg19) VCF-style: chr2-84668237-AATC-A.
Other names: c.532-12_532-10delGAT (NM_003849.3).
Identifiers: ClinVar variation 1081491 (VCV001081491.12), dbSNP rs760236068, ClinGen allele CA1736272.